The following is an entry in ClinVar:

NM_015910.7(WDPCP):c.1608C>G (p.Leu536=)

Gene: WDPCP (WD repeat containing planar cell polarity effector; minus strand). Cytogenetic location: 2p15.
Variant type: single nucleotide variant.
Coding change: c.1608C>G on transcript NM_015910.7 (MANE Select); coding-DNA position 1608, C replaced by G.
Protein change: p.Leu536=; no amino-acid change (leucine 536 retained).
Molecular consequence: synonymous variant. On other transcripts: non-coding transcript variant (3).
Genome position (GRCh38, 1-based): chr2:63,381,922, G>C on the plus strand (C>G on the coding strand, the complement: WDPCP is on the minus strand). VCF-style: chr2-63381922-G-C. GRCh37 (hg19) VCF-style: chr2-63609057-G-C.
Other names: c.1131C>G, p.Leu377= (NM_001042692.3); c.1536C>G, p.Leu512= (NM_001354044.2); c.1608C>G, p.Leu536= (NM_001354045.2).
Identifiers: ClinVar variation 2650994 (VCV002650994.24), dbSNP rs1692342819, ClinGen allele CA426382968.
Genomic context (GRCh38, chr2:63,381,922, plus strand): 5'-ATGTATATACAAAACTCATCAATGAAAAATATTTCAAGTCTGACCTTCTCTCTCTGGAGT[G>C]AGCTTCTGTCTAAGAAGATGGTTTACAATGGCGCTCATGCTGATAAAGCACTGGTGGCCC-3'
Protein context (NP_056994.3, residues 526-546): AIVNHLLRQK[Leu536=]TPEREAQLET

ClinVar aggregate classification (germline): Likely benign (1 of 4 stars; one submission).

Submission:

CeGaT Center for Human Genetics Tuebingen
Classification: Likely benign. Last evaluated: 2023-04-01. Review status: criteria provided, single submitter. Criteria: CeGaT Center For Human Genetics Tuebingen Variant Classification Criteria Version 2. Collection method: clinical testing. Allele origin: germline. Affected: yes. Observed: 1 variant allele.
Comment: WDPCP: PM2:Supporting, BP4, BP7